The following is an entry in ClinVar:

ClinVar aggregate classification (germline): Uncertain significance (1 of 4 stars; one submission).

Submission:

Labcorp Genetics (formerly Invitae), Labcorp
Classification: Uncertain significance. Last evaluated: 2022-07-19. Review status: criteria provided, single submitter. Criteria: Invitae Variant Classification Sherloc (09022015). Collection method: clinical testing. Allele origin: germline.
Comment: In summary, the available evidence is currently insufficient to determine the role of this variant in disease. Therefore, it has been classified as a Variant of Uncertain Significance. Algorithms developed to predict the effect of missense changes on protein structure and function are either unavailable or do not agree on the potential impact of this missense change (SIFT: "Deleterious"; PolyPhen-2: "Possibly Damaging"; Align-GVGD: "Class C0"). This variant has not been reported in the literature in individuals affected with SON-related conditions. This variant is present in population databases (no rsID available, gnomAD 0.003%). This sequence change replaces histidine, which is basic and polar, with glutamine, which is neutral and polar, at codon 1800 of the SON protein (p.His1800Gln).

NM_138927.4(SON):c.5400C>A (p.His1800Gln)

Gene: SON (SON DNA and RNA binding protein; plus strand). Cytogenetic location: 21q22.11.
Variant type: single nucleotide variant.
Coding change: c.5400C>A on transcript NM_138927.4 (MANE Select); coding-DNA position 5400, C replaced by A.
Protein change: p.His1800Gln; replaces histidine 1800 with glutamine.
Molecular consequence: missense variant. On other transcripts: non-coding transcript variant (1), intron variant (1).
Genome position (GRCh38, 1-based): chr21:33,554,631, C>A. VCF-style: chr21-33554631-C-A. GRCh37 (hg19) VCF-style: chr21-34926937-C-A.
Other names: c.5400C>A, p.His1800Gln (NM_001291411.2, NM_001412133.1, NM_032195.3 and 2 more transcripts); c.245-2525C>A (NM_001291412.3); short protein forms H1800Q.
Identifiers: ClinVar variation 2026985 (VCV002026985.4), dbSNP rs201359372, ClinGen allele CA410164705.
Genomic context (GRCh38, chr21:33,554,631, plus strand): 5'-AGAGTCTTCTTCAGAGGAAAAAGATGATTATGAAATTTTTGTAAAAGTTAAGGACACTCA[C>A]GAAAAAAGCAAGAAAAATAAGAACCGTGATAAGGGGGAGAAAGAGAAGAAAAGAGACTCT-3'
Protein context (NP_620305.3, residues 1790-1810): YEIFVKVKDT[His1800Gln]EKSKKNKNRD